The following is an entry in ClinVar:

NM_198253.3(TERT):c.2831G>A (p.Ser944Asn)

Gene: TERT (telomerase reverse transcriptase; minus strand). Cytogenetic location: 5p15.33.
Variant type: single nucleotide variant.
Coding change: c.2831G>A on transcript NM_198253.3 (MANE Select); coding-DNA position 2831, G replaced by A.
Protein change: p.Ser944Asn; replaces serine 944 with asparagine.
Molecular consequence: missense variant. On other transcripts: intron variant (1).
Genome position (GRCh38, 1-based): chr5:1,264,416, C>T on the plus strand (G>A on the coding strand, the complement: TERT is on the minus strand). VCF-style: chr5-1264416-C-T. GRCh37 (hg19) VCF-style: chr5-1264531-C-T.
Other names: c.2654+2048G>A (NM_001193376.3); short protein forms S944N.
Identifiers: ClinVar variation 844747 (VCV000844747.13), dbSNP rs759314942, ClinGen allele CA3184388.

ClinVar aggregate classification (germline): Uncertain significance. Review status: criteria provided, multiple submitters, no conflicts (2 of 4 stars). 3 submissions from 3 submitters: Uncertain significance (3). Last evaluated 2025-08-19.

Conditions:
Idiopathic Pulmonary Fibrosis. Also called: Idiopathic fibrosing alveolitis, chronic form; idiopathic fibrosing alveolitis. Identifiers: Orphanet 2032, MedGen C1800706, MeSH D054990, MONDO:0800504.
Dyskeratosis congenita, autosomal dominant 2. Identifiers: MedGen C3151443, MONDO:0013521, OMIM 613989.
Dyskeratosis congenita. Identifiers: Orphanet 1775, MedGen C0265965, MONDO:0015780.

Allele frequency attached by ClinVar (database versions not stated): gnomAD exomes 0.00001; ExAC 0.00003.
gnomAD v4.1: 16 of 1,612,956 alleles (0.00099%); highest among the groups gnomAD compares: Non-Finnish European, 0.0013%; no homozygotes.

Submissions (3):

Ambry Genetics
Classification: Uncertain significance for Dyskeratosis congenita. Last evaluated: 2025-08-19. Review status: criteria provided, single submitter. Criteria: Ambry Variant Classification Scheme 2023. Collection method: clinical testing. Allele origin: germline.
Comment: The p.S944N variant (also known as c.2831G>A), located in coding exon 11 of the TERT gene, results from a G to A substitution at nucleotide position 2831. The serine at codon 944 is replaced by asparagine, an amino acid with highly similar properties. This amino acid position is conserved. In addition, this alteration is predicted to be tolerated by in silico analysis. Based on the available evidence, the clinical significance of this variant remains unclear.

Labcorp Genetics (formerly Invitae), Labcorp
Classification: Uncertain significance for Dyskeratosis congenita, autosomal dominant 2; Idiopathic Pulmonary Fibrosis. Last evaluated: 2025-02-19. Review status: criteria provided, single submitter. Criteria: Invitae Variant Classification Sherloc (09022015). Collection method: clinical testing. Allele origin: germline.
Comment: This sequence change replaces serine, which is neutral and polar, with asparagine, which is neutral and polar, at codon 944 of the TERT protein (p.Ser944Asn). This variant is present in population databases (rs759314942, gnomAD 0.003%). This variant has not been reported in the literature in individuals affected with TERT-related conditions. ClinVar contains an entry for this variant (Variation ID: 844747). Invitae Evidence Modeling of protein sequence and biophysical properties (such as structural, functional, and spatial information, amino acid conservation, physicochemical variation, residue mobility, and thermodynamic stability) indicates that this missense variant is not expected to disrupt TERT protein function with a negative predictive value of 95%. In summary, the available evidence is currently insufficient to determine the role of this variant in disease. Therefore, it has been classified as a Variant of Uncertain Significance.

GeneDx
Classification: Uncertain significance. Last evaluated: 2022-12-08. Review status: criteria provided, single submitter. Criteria: GeneDx Variant Classification Process June 2021. Collection method: clinical testing. Allele origin: germline. Affected: yes.
Comment: Not observed at significant frequency in large population cohorts (gnomAD); In silico analysis supports that this missense variant does not alter protein structure/function; Has not been previously published as pathogenic or benign to our knowledge